The following is an entry in ClinVar:

NM_000466.3(PEX1):c.2874_2875del (p.Asp958fs)

Genes: GATAD1 (GATA zinc finger domain containing 1; plus strand), PEX1 (peroxisomal biogenesis factor 1; minus strand). Cytogenetic location: 7q21.2.
Variant type: Deletion.
Coding change: c.2874_2875del on transcript NM_000466.3 (MANE Select); coding-DNA positions 2874 to 2875, 2 bases deleted (CC; older notation c.2874_2875delCC).
Protein change: p.Asp958fs; shifts the reading frame from aspartic acid 958.
Molecular consequence: frameshift variant.
Genome position (GRCh38, 1-based): chr7:92,494,538-92,494,539, GG deleted on the plus strand (CC on the coding strand, the reverse complement: PEX1 is on the minus strand). VCF-style (leftmost placement, unchanged base first): chr7-92494537-CGG-C. GRCh37 (hg19) VCF-style: chr7-92123851-CGG-C.
Other names: c.2703_2704del, p.Asp901fs (NM_001282677.2); c.2250_2251del, p.Asp750fs (NM_001282678.2); short protein forms D958fs, D901fs, D750fs.
Identifiers: ClinVar variation 5012565 (VCV005012565.1), dbSNP rs1286363343.

ClinVar aggregate classification (germline): Pathogenic (1 of 4 stars; one submission).

Conditions:
Peroxisome biogenesis disorder. Identifiers: Orphanet 79189, MedGen C1832200, MONDO:0019234. Disease mechanism: loss of function.

Allele frequency attached by ClinVar (database versions not stated): gnomAD exomes below 0.00001; TOPMed 0.00001.

Submission:

Myriad Genetics, Inc.
Classification: Pathogenic for Peroxisome biogenesis disorder. Last evaluated: 2023-12-12. Review status: criteria provided, single submitter. Criteria: Myriad Autosomal Dominant, Autosomal Recessive and X-Linked Classification Criteria (2023). Collection method: clinical testing. Allele origin: unknown.
Comment: NM_000466.2(PEX1):c.2874_2875delCC(D958Efs*4) is expected to be pathogenic in the context of peroxisome biogenesis disorder type 1. This variant is predicted to lead to an abnormal or absent protein product due to the creation of a premature termination codon in PEX1, a gene where loss-of-function variants are known to be pathogenic. Please note: this variant was assessed in the context of healthy population screening.